The following is an entry in ClinVar:

NM_001112741.2(KCNC1):c.728C>A (p.Ala243Asp)

Gene: KCNC1 (potassium voltage-gated channel subfamily C member 1; plus strand). Cytogenetic location: 11p15.1.
Variant type: single nucleotide variant.
Coding change: c.728C>A on transcript NM_001112741.2 (MANE Select); coding-DNA position 728, C replaced by A.
Protein change: p.Ala243Asp; replaces alanine 243 with aspartic acid.
Molecular consequence: missense variant.
Genome position (GRCh38, 1-based): chr11:17,771,822, C>A. VCF-style: chr11-17771822-C-A. GRCh37 (hg19) VCF-style: chr11-17793369-C-A.
Other names: c.728C>A, p.Ala243Asp (NM_004976.4); short protein forms A243D.
Identifiers: ClinVar variation 2846433 (VCV002846433.3), dbSNP rs2497799514, ClinGen allele CA379805998.

ClinVar aggregate classification (germline): Uncertain significance (1 of 4 stars; one submission).

Conditions:
Progressive myoclonic epilepsy type 7. Identifiers: Orphanet 435438, MedGen C4015420, MONDO:0014521, OMIM 616187.

Allele frequency attached by ClinVar (database versions not stated): gnomAD exomes below 0.00001.
gnomAD v4.1: 1 of 1,614,198 alleles (0.000062%); highest among the groups gnomAD compares: East Asian, 0.0022%; no homozygotes.

Submission:

Labcorp Genetics (formerly Invitae), Labcorp
Classification: Uncertain significance for Progressive myoclonic epilepsy type 7. Last evaluated: 2025-02-17. Review status: criteria provided, single submitter. Criteria: Invitae Variant Classification Sherloc (09022015). Collection method: clinical testing. Allele origin: germline.
Comment: This sequence change replaces alanine, which is neutral and non-polar, with aspartic acid, which is acidic and polar, at codon 243 of the KCNC1 protein (p.Ala243Asp). This variant is not present in population databases (gnomAD no frequency). This variant has not been reported in the literature in individuals affected with KCNC1-related conditions. ClinVar contains an entry for this variant (Variation ID: 2846433). Invitae Evidence Modeling of protein sequence and biophysical properties (such as structural, functional, and spatial information, amino acid conservation, physicochemical variation, residue mobility, and thermodynamic stability) indicates that this missense variant is not expected to disrupt KCNC1 protein function with a negative predictive value of 80%. In summary, the available evidence is currently insufficient to determine the role of this variant in disease. Therefore, it has been classified as a Variant of Uncertain Significance.